The following is an entry in ClinVar:

NM_001099922.3(ALG13):c.3349C>G (p.Pro1117Ala)

Gene: ALG13 (ALG13 UDP-N-acetylglucosaminyltransferase subunit; plus strand). Cytogenetic location: Xq23.
Variant type: single nucleotide variant.
Coding change: c.3349C>G on transcript NM_001099922.3 (MANE Select); coding-DNA position 3349, C replaced by G.
Protein change: p.Pro1117Ala; replaces proline 1117 with alanine.
Molecular consequence: missense variant. On other transcripts: non-coding transcript variant (1).
Genome position (GRCh38, 1-based): chrX:111,759,934, C>G. VCF-style: chrX-111759934-C-G. GRCh37 (hg19) VCF-style: chrX-111003162-C-G.
Other names: c.2800C>G, p.Pro934Ala (NM_001257230.2, NM_001257234.2, NM_001257237.2); c.3115C>G, p.Pro1039Ala (NM_001257231.2); c.3112C>G, p.Pro1038Ala (NM_001324292.2); c.2626C>G, p.Pro876Ala (NM_001324293.1); short protein forms P1038A, P876A, P1039A, P1117A, P934A.
Identifiers: ClinVar variation 661156 (VCV000661156.9), dbSNP rs1603004235, ClinGen allele CA414293767.

ClinVar aggregate classification (germline): Uncertain significance (1 of 4 stars; one submission).

Conditions:
Developmental and epileptic encephalopathy, 36 (DEE36). Also called: ALG13-CDG; Epileptic encephalopathy, early infantile, 36; Congenital disorder of glycosylation, type Is. Identifiers: Orphanet 324422, MedGen C4317295, MONDO:0010472, OMIM 300884.

Submission:

Labcorp Genetics (formerly Invitae), Labcorp
Classification: Uncertain significance for Developmental and epileptic encephalopathy, 36. Last evaluated: 2024-10-28. Review status: criteria provided, single submitter. Criteria: Invitae Variant Classification Sherloc (09022015). Collection method: clinical testing. Allele origin: germline.
Comment: This sequence change replaces proline, which is neutral and non-polar, with alanine, which is neutral and non-polar, at codon 1117 of the ALG13 protein (p.Pro1117Ala). This variant is not present in population databases (gnomAD no frequency). This variant has not been reported in the literature in individuals affected with ALG13-related conditions. ClinVar contains an entry for this variant (Variation ID: 661156). Invitae Evidence Modeling of protein sequence and biophysical properties (such as structural, functional, and spatial information, amino acid conservation, physicochemical variation, residue mobility, and thermodynamic stability) indicates that this missense variant is not expected to disrupt ALG13 protein function with a negative predictive value of 95%. In summary, the available evidence is currently insufficient to determine the role of this variant in disease. Therefore, it has been classified as a Variant of Uncertain Significance.